The following is an entry in ClinVar:

ClinVar aggregate classification (germline): Likely benign. Review status: criteria provided, multiple submitters, no conflicts (2 of 4 stars). 3 submissions from 3 submitters: Likely benign (3). Last evaluated 2026-09-08.

Conditions:
NSD1-related disorder. Also called: NSD1-related condition.

Allele frequency attached by ClinVar (database versions not stated): gnomAD exomes below 0.00001 and 0.00001; TOPMed below 0.00001; gnomAD 0.00001; ExAC 0.00002; ESP Exome Variant Server 0.00008.
gnomAD v4.1: 3 of 1,614,074 alleles (0.00019%); highest among the groups gnomAD compares: Admixed American, 0.0033%; no homozygotes.

Submissions (3):

PreventionGenetics, part of Exact Sciences
Classification: Likely benign for NSD1-related condition. Last evaluated: 2026-09-08. Review status: criteria provided, single submitter. Criteria: ACMG Guidelines, 2015. Collection method: clinical testing. Allele origin: germline.
Comment: This variant is classified as likely benign based on ACMG/AMP sequence variant interpretation guidelines (Richards et al. 2015 PMID: 25741868, with internal and published modifications).

Blueprint Genetics
Classification: Likely benign. Last evaluated: 2024-11-06. Review status: criteria provided, single submitter. Criteria: ACMG Guidelines, 2015. Collection method: clinical testing. Allele origin: germline.

Labcorp Genetics (formerly Invitae), Labcorp
Classification: Likely benign. Last evaluated: 2021-04-02. Review status: criteria provided, single submitter. Criteria: Invitae Variant Classification Sherloc (09022015). Collection method: clinical testing. Allele origin: germline.

NM_022455.5(NSD1):c.4551A>G (p.Glu1517=)

Gene: NSD1 (nuclear receptor binding SET domain protein 1; plus strand). Cytogenetic location: 5q35.3.
Variant type: single nucleotide variant.
Coding change: c.4551A>G on transcript NM_022455.5 (MANE Select); coding-DNA position 4551, A replaced by G.
Protein change: p.Glu1517=; no amino-acid change (glutamic acid 1517 retained).
Molecular consequence: synonymous variant.
Genome position (GRCh38, 1-based): chr5:177,248,234, A>G. VCF-style: chr5-177248234-A-G. GRCh37 (hg19) VCF-style: chr5-176675235-A-G.
Other names: c.3678A>G, p.Glu1226= (NM_001365684.2, NM_001409306.1, NM_001409307.1 and 3 more transcripts); c.4551A>G, p.Glu1517= (NM_001409301.1, NM_001409302.1, NM_001409303.1); c.4131A>G, p.Glu1377= (NM_001409304.1); c.3798A>G, p.Glu1266= (NM_001409305.1).
Identifiers: ClinVar variation 1583609 (VCV001583609.10), dbSNP rs377275787, ClinGen allele CA3577669.